The following is an entry in ClinVar:

NM_018063.5(HELLS):c.1971+3A>G

Gene: HELLS (helicase, lymphoid specific; plus strand). Cytogenetic location: 10q23.33.
Variant type: single nucleotide variant.
Coding change: c.1971+3A>G on transcript NM_018063.5 (MANE Select); 3 bases into the intron after coding-DNA position 1971, A replaced by G.
Molecular consequence: intron variant.
Genome position (GRCh38, 1-based): chr10:94,592,517, A>G. VCF-style: chr10-94592517-A-G. GRCh37 (hg19) VCF-style: chr10-96352274-A-G.
Other names: c.1599+3A>G (NM_001289071.2); c.2109+3A>G (NM_001289067.2); c.753+3A>G (NM_001289075.2); c.1677+3A>G (NM_001289070.2); c.888+3A>G (NM_001289074.2); c.1875+3A>G (NM_001289069.2); c.1581+3A>G (NM_001289072.2); c.1557+3A>G (NM_001289073.2); and 1 more.
Identifiers: ClinVar variation 2873691 (VCV002873691.3), dbSNP rs2493282082, ClinGen allele CA2739275939.
Genomic context (GRCh38, chr10:94,592,517, plus strand): 5'-AGATTTCAACTTCAGCAGGCTTGATGGGTCCATGTCTTACTCAGAGAGAGAAAAAAACGT[A>G]AGACTACTTATGTCATACATACCAAACTATTCTTTTATAATTCCTATCTTGATTTCTGAA-3'

ClinVar aggregate classification (germline): Uncertain significance (1 of 4 stars; one submission).

Submission:

Labcorp Genetics (formerly Invitae), Labcorp
Classification: Uncertain significance. Last evaluated: 2023-10-24. Review status: criteria provided, single submitter. Criteria: Invitae Variant Classification Sherloc (09022015). Collection method: clinical testing. Allele origin: germline.
Comment: This sequence change falls in intron 17 of the HELLS gene. It does not directly change the encoded amino acid sequence of the HELLS protein. It affects a nucleotide within the consensus splice site. This variant is not present in population databases (gnomAD no frequency). This variant has not been reported in the literature in individuals affected with HELLS-related conditions. Variants that disrupt the consensus splice site are a relatively common cause of aberrant splicing (PMID: 17576681, 9536098). Algorithms developed to predict the effect of sequence changes on RNA splicing suggest that this variant may disrupt the consensus splice site. In summary, the available evidence is currently insufficient to determine the role of this variant in disease. Therefore, it has been classified as a Variant of Uncertain Significance.

Literature cited by the submitters: PubMed 17576681; PubMed 9536098.